The following is an entry in ClinVar:

ClinVar aggregate classification (germline): Uncertain significance (1 of 4 stars; one submission).

Submission:

Dasa
Classification: Uncertain significance. Last evaluated: 2025-09-04. Review status: criteria provided, single submitter. Criteria: DASA Assertion Criteria. Collection method: clinical testing. Allele origin: germline.
Comment: NM_031263.4(HNRNPK):c.942_944dup (p.Pro315dup) is an in-frame duplication predicted to duplicate proline at protein position 315 without shifting the reading frame. This variant is rare in population databases. The currently available literature and clinical evidence are not sufficient to establish a definitive association between this variant and the reported condition. Therefore, this variant is classified as a variant of uncertain significance.

NM_031263.4(HNRNPK):c.933ACC[5] (p.Pro315_Arg316insPro)

Gene: HNRNPK (heterogeneous nuclear ribonucleoprotein K; minus strand). Cytogenetic location: 9q21.32.
Variant type: Microsatellite.
Coding change: c.933ACC[5] on transcript NM_031263.4 (MANE Select); five copies in a row of the 3-base unit ACC starting at c.933; the reference has four copies in a row; one copy, 3 bases duplicated; also written c.942_944dup.
Protein change: p.Pro315_Arg316insPro.
Molecular consequence: inframe insertion.
Genome position (GRCh38, 1-based): chr9:83,971,891-83,971,893, GGT duplicated on the plus strand (ACC on the coding strand, the reverse complement: HNRNPK is on the minus strand); duplicating any 3 consecutive bases within chr9:83,971,891-83,971,904 gives the same sequence; the position shown is the placement nearest the transcript's 3' end. VCF-style (leftmost placement, unchanged base first): chr9-83971890-A-AGGT. GRCh37 (hg19) VCF-style: chr9-86586805-A-AGGT.
Other names: c.861ACC[5], p.Pro291_Arg292insPro (NM_001318186.2, NM_001318187.2); c.933ACC[5], p.Pro315_Arg316insPro (NM_001318188.2, NM_002140.5, NM_031262.4); c.942_944dup (NM_031263.4).
Identifiers: ClinVar variation 4884009 (VCV004884009.2).